The following is an entry in ClinVar:

NM_006121.4(KRT1):c.1389C>T (p.Arg463=)

Gene: KRT1 (keratin 1; minus strand). Cytogenetic location: 12q13.13.
Variant type: single nucleotide variant.
Coding change: c.1389C>T on transcript NM_006121.4 (MANE Select); coding-DNA position 1389, C replaced by T.
Protein change: p.Arg463=; no amino-acid change (arginine 463 retained).
Molecular consequence: synonymous variant.
Genome position (GRCh38, 1-based): chr12:52,676,361, G>A on the plus strand (C>T on the coding strand, the complement: KRT1 is on the minus strand). VCF-style: chr12-52676361-G-A. GRCh37 (hg19) VCF-style: chr12-53070145-G-A.
Identifiers: ClinVar variation 66623 (VCV000066623.14), dbSNP rs936958, ClinGen allele CA217415.
Genomic context (GRCh38, chr12:52,676,361, plus strand): 5'-CCTGTAGGTGGCAATCTCCAGATCCAGGGCCAGCTTTGTGTTCATCAGCTCCTGGTAGTC[G>A]CGCAGCAGGCGGGCCAGGTCTTCCTTGGCCTGCTGCAGGGCATCCTCCAGGTCATTCAGC-3'
Protein context (NP_006112.3, residues 453-473): QAKEDLARLL[Arg463=]DYQELMNTKL

ClinVar aggregate classification (germline): Benign. Review status: criteria provided, multiple submitters, no conflicts (2 of 4 stars). 6 submissions from 5 submitters: Benign (5). 1 of the submissions does not count toward it. Last evaluated 2026-02-02.

Conditions:
Diffuse nonepidermolytic palmoplantar keratoderma (NEPPK). Also called: Nonepidermolytic palmoplantar hyperkeratosis; Nonepidermolytic palmoplantar keratoderma. Identifiers: Orphanet 530838, MedGen C1833030, MONDO:0010962, OMIM 600962, HP:0007404.
Epidermolytic ichthyosis. Also called: Bullous ichthyosiform erythroderma; KRT10-Related Epidermolytic Hyperkeratosis; Epidermolytic Hyperkeratosis; Congenital bullous ichthyosiform erythroderma. Identifiers: Orphanet 312, MedGen C0079153, MONDO:0007239, HP:0007475.

Allele frequency attached by ClinVar (database versions not stated): 1000 Genomes Project 0.42552; 1000 Genomes Project 30x 0.42864; gnomAD 0.45526; ExAC 0.44344; ESP Exome Variant Server 0.47009; TOPMed 0.45460.
gnomAD v4.1: 743,031 of 1,613,358 alleles (46%); highest among the groups gnomAD compares: Non-Finnish European, 47%; 173,433 homozygotes.

Submissions (6):

Labcorp Genetics (formerly Invitae), Labcorp
Classification: Benign. Last evaluated: 2026-02-02. Review status: criteria provided, single submitter. Criteria: Invitae Variant Classification Sherloc (09022015). Collection method: clinical testing. Allele origin: germline.

Illumina Laboratory Services, Illumina
Classification: Benign for Epidermolytic hyperkeratosis 1. Last evaluated: 2018-01-12. Review status: criteria provided, single submitter. Criteria: ICSL Variant Classification Criteria 13 December 2019. Collection method: clinical testing. Allele origin: germline.
Comment: This variant was observed in the ICSL laboratory as part of a predisposition screen in an ostensibly healthy population. It had not been previously curated by ICSL or reported in the Human Gene Mutation Database (HGMD: prior to June 1st, 2018), and was therefore a candidate for classification through an automated scoring system. Utilizing variant allele frequency, disease prevalence and penetrance estimates, and inheritance mode, an automated score was calculated to assess if this variant is too frequent to cause the disease. Based on the score and internal cut-off values, a variant classified as benign is not then subjected to further curation. The score for this variant resulted in a classification of benign for this disease.

Illumina Laboratory Services, Illumina
Classification: Benign for Diffuse nonepidermolytic palmoplantar keratoderma. Last evaluated: 2018-01-12. Review status: criteria provided, single submitter. Criteria: ICSL Variant Classification Criteria 13 December 2019. Collection method: clinical testing. Allele origin: germline.
Comment: the same text as in the submission from Illumina Laboratory Services, Illumina above.

GeneDx
Classification: Benign. Last evaluated: 2015-03-03. Review status: criteria provided, single submitter. Criteria: GeneDx Variant Classification Process June 2021. Collection method: clinical testing. Allele origin: germline. Affected: yes.

Breakthrough Genomics
Classification: Benign. Review status: criteria provided, single submitter. Criteria: ACMG Guidelines, 2015. Collection method: not provided. Allele origin: germline. Inheritance: Autosomal dominant inheritance. Affected: yes.

Epithelial Biology;  Institute of Medical Biology, Singapore
No classification provided. Review status: no classification provided. Collection method: not provided. Allele origin: not provided. Not counted in ClinVar's aggregate classification.